The following is an entry in ClinVar:

NC_000017.10:g.(?_41247857)_(41276119_?)dup

Genes: BRCA1 (BRCA1 DNA repair associated; minus strand), LOC110485084 (BRCA1 intronic recombination region; plus strand), LOC111589216 (BRCA1 intron 2 regulatory region; plus strand). Cytogenetic location: 17q21.31.
Variant type: Duplication.
Identifiers: ClinVar variation 531587 (VCV000531587.3).

ClinVar aggregate classification (germline): Uncertain significance (1 of 4 stars; one submission).

Conditions:
Hereditary breast ovarian cancer syndrome. Also called: Hereditary breast and ovarian cancer syndrome (HBOC); BRCA1- and BRCA2-Associated Hereditary Breast and Ovarian Cancer; Hereditary breast and ovarian cancer syndrome; Breast and ovarian cancer; Hereditary breast and ovarian cancer; Hereditary breast and/or ovarian cancer syndrome. Identifiers: Orphanet 145, MedGen C0677776, MeSH D061325, MONDO:0003582. Disease mechanism: loss of function.

Submission:

Labcorp Genetics (formerly Invitae), Labcorp
Classification: Uncertain significance for Hereditary breast ovarian cancer syndrome. Last evaluated: 2021-09-28. Review status: criteria provided, single submitter. Criteria: Invitae Variant Classification Sherloc (09022015). Collection method: clinical testing. Allele origin: germline.
Comment: In summary, the available evidence is currently insufficient to determine the role of this variant in disease. Therefore, it has been classified as a Variant of Uncertain Significance. Experimental studies and prediction algorithms are not available or were not evaluated, and the functional significance of this variant is currently unknown. This variant has not been reported in the literature in individuals affected with BRCA1-related conditions. This variant is a gross duplication of the genomic region encompassing the non-coding exon 1, the coding exons 2-9, and the first ~700 nucleotides of exon 10 of the BRCA1 gene (c.-255039_1365dup). The duplicated copy of this region is in tandem and while it preserves the integrity of the BRCA1 reading frame, the effect of this variant on BRCA1 expression is unknown.